The following is an entry in ClinVar:

NM_000520.6(HEXA):c.1363G>A (p.Gly455Arg)

Gene: HEXA (hexosaminidase subunit alpha; minus strand). Cytogenetic location: 15q23.
Variant type: single nucleotide variant.
Coding change: c.1363G>A on transcript NM_000520.6 (MANE Select); coding-DNA position 1363, G replaced by A.
Protein change: p.Gly455Arg; replaces glycine 455 with arginine.
Molecular consequence: missense variant. On other transcripts: non-coding transcript variant (1).
Genome position (GRCh38, 1-based): chr15:72,346,293, C>T on the plus strand (G>A on the coding strand, the complement: HEXA is on the minus strand). VCF-style: chr15-72346293-C-T. GRCh37 (hg19) VCF-style: chr15-72638634-C-T.
Other names: c.1396G>A, p.Gly466Arg (NM_001318825.2); short protein forms G466R, G455R.
Identifiers: ClinVar variation 2736238 (VCV002736238.3), dbSNP rs866773167, ClinGen allele CA393059286.

ClinVar aggregate classification (germline): Likely pathogenic (1 of 4 stars; one submission).

Conditions:
Tay-Sachs disease (TSD). Also called: HEXA Disorders; HEXA DEFICIENCY; GM2 gangliosidosis, type 1; Hexosaminidase alpha-subunit deficiency (variant B); Sphingolipidosis, Tay-Sachs; Hexosaminidase A Deficiency. Identifiers: Orphanet 845, MedGen C0039373, MONDO:0010100, OMIM 272800.

Submission:

Labcorp Genetics (formerly Invitae), Labcorp
Classification: Likely pathogenic for Tay-Sachs disease. Last evaluated: 2023-09-08. Review status: criteria provided, single submitter. Criteria: Invitae Variant Classification Sherloc (09022015). Collection method: clinical testing. Allele origin: germline.
Comment: In summary, the currently available evidence indicates that the variant is pathogenic, but additional data are needed to prove that conclusively. Therefore, this variant has been classified as Likely Pathogenic. Advanced modeling of protein sequence and biophysical properties (such as structural, functional, and spatial information, amino acid conservation, physicochemical variation, residue mobility, and thermodynamic stability) performed at Invitae indicates that this missense variant is expected to disrupt HEXA protein function. This sequence change replaces glycine, which is neutral and non-polar, with arginine, which is basic and polar, at codon 455 of the HEXA protein (p.Gly455Arg). This variant is not present in population databases (gnomAD no frequency). This missense change has been observed in individual(s) with HEXA-related conditions (PMID: 9375850).

Literature cited by the submitters: PubMed 9375850.